The following is an entry in ClinVar:

ClinVar aggregate classification (germline): Uncertain significance (1 of 4 stars; one submission).

Conditions:
Giant axonal neuropathy 1 (GAN1). Also called: GIANT AXONAL NEUROPATHY 1, AUTOSOMAL RECESSIVE; GAN-Related Neurodegeneration. Identifiers: Orphanet 643, MedGen C1850386, MONDO:0009749, OMIM 256850.

Submission:

Labcorp Genetics (formerly Invitae), Labcorp
Classification: Uncertain significance for Giant axonal neuropathy 1. Last evaluated: 2025-01-27. Review status: criteria provided, single submitter. Criteria: Invitae Variant Classification Sherloc (09022015). Collection method: clinical testing. Allele origin: germline.
Comment: This sequence change replaces glycine, which is neutral and non-polar, with aspartic acid, which is acidic and polar, at codon 333 of the GAN protein (p.Gly333Asp). This variant is not present in population databases (gnomAD no frequency). This variant has not been reported in the literature in individuals affected with GAN-related conditions. ClinVar contains an entry for this variant (Variation ID: 1962408). Invitae Evidence Modeling of protein sequence and biophysical properties (such as structural, functional, and spatial information, amino acid conservation, physicochemical variation, residue mobility, and thermodynamic stability) indicates that this missense variant is not expected to disrupt GAN protein function with a negative predictive value of 80%. In summary, the available evidence is currently insufficient to determine the role of this variant in disease. Therefore, it has been classified as a Variant of Uncertain Significance.

NM_022041.4(GAN):c.998G>A (p.Gly333Asp)

Gene: GAN (gigaxonin; plus strand). Cytogenetic location: 16q23.2.
Variant type: single nucleotide variant.
Coding change: c.998G>A on transcript NM_022041.4 (MANE Select); coding-DNA position 998, G replaced by A.
Protein change: p.Gly333Asp; replaces glycine 333 with aspartic acid.
Molecular consequence: missense variant.
Genome position (GRCh38, 1-based): chr16:81,362,523, G>A. VCF-style: chr16-81362523-G-A. GRCh37 (hg19) VCF-style: chr16-81396128-G-A.
Other names: c.359G>A, p.Gly120Asp (NM_001377486.1); short protein forms G333D, G120D.
Identifiers: ClinVar variation 1962408 (VCV001962408.5), dbSNP rs2507744152, ClinGen allele CA396874741.